The following is an entry in ClinVar:

NM_001382430.1(AKT1):c.763G>A (p.Ala255Thr)

Gene: AKT1 (AKT serine/threonine kinase 1; minus strand). Cytogenetic location: 14q32.33.
Variant type: single nucleotide variant.
Coding change: c.763G>A on transcript NM_001382430.1 (MANE Select); coding-DNA position 763, G replaced by A.
Protein change: p.Ala255Thr; replaces alanine 255 with threonine.
Molecular consequence: missense variant.
Genome position (GRCh38, 1-based): chr14:104,773,520, C>T on the plus strand (G>A on the coding strand, the complement: AKT1 is on the minus strand). VCF-style: chr14-104773520-C-T. GRCh37 (hg19) VCF-style: chr14-105239857-C-T.
Other names: c.763G>A, p.Ala255Thr (NM_001014431.2, NM_001014432.2, NM_001382431.1 and 3 more transcripts); short protein forms A255T.
Identifiers: ClinVar variation 410914 (VCV000410914.9), dbSNP rs375395037, ClinGen allele CA7374648.
Genomic context (GRCh38, chr14:104,773,520, plus strand): 5'-GGTCCCGGTACACCACGTTCTTCTCCGAGTGCAGGTAGTCCAGGGCTGACACAATCTCAG[C>T]GCCATAGAAGCGGGCCCGGTCCTCGGAGAACACACGCTCCCGGGACAGGTGGAAGAACAG-3'
Protein context (NP_001369359.1, residues 245-265): FSEDRARFYG[Ala255Thr]EIVSALDYLH

ClinVar aggregate classification (germline): Uncertain significance (1 of 4 stars; one submission).

Conditions:
Cowden syndrome 6 (CWS6). Identifiers: Orphanet 201, MedGen C3554519, MONDO:0014048, OMIM 615109.

Allele frequency attached by ClinVar (database versions not stated): gnomAD exomes below 0.00001 and 0.00001; ExAC 0.00001; gnomAD 0.00001 and 0.00002; ESP Exome Variant Server 0.00008.
gnomAD v4.1: 16 of 1,613,272 alleles (0.00099%); highest among the groups gnomAD compares: African/African-American, 0.0013%; no homozygotes.

Submission:

Labcorp Genetics (formerly Invitae), Labcorp
Classification: Uncertain significance for Cowden syndrome 6. Last evaluated: 2023-04-23. Review status: criteria provided, single submitter. Criteria: Invitae Variant Classification Sherloc (09022015). Collection method: clinical testing. Allele origin: germline.
Comment: This sequence change replaces alanine, which is neutral and non-polar, with threonine, which is neutral and polar, at codon 255 of the AKT1 protein (p.Ala255Thr). In summary, the available evidence is currently insufficient to determine the role of this variant in disease. Therefore, it has been classified as a Variant of Uncertain Significance. An algorithm developed to predict the effect of missense changes on protein structure and function (PolyPhen-2) suggests that this variant is likely to be disruptive. ClinVar contains an entry for this variant (Variation ID: 410914). This variant has not been reported in the literature in individuals affected with AKT1-related conditions. The frequency data for this variant in the population databases is considered unreliable, as metrics indicate poor data quality at this position in the gnomAD database.